The following is an entry in ClinVar:

ClinVar aggregate classification (germline): Uncertain significance (1 of 4 stars; one submission).

Conditions:
Early-infantile DEE. Also called: Early infantile epileptic encephalopathy; Early infantile epileptic encephalopathy with suppression bursts; Ohtahara syndrome. Identifiers: Orphanet 1934, MedGen C0393706, MONDO:0800491.

Submission:

Labcorp Genetics (formerly Invitae), Labcorp
Classification: Uncertain significance for Early-infantile DEE. Last evaluated: 2018-05-20. Review status: criteria provided, single submitter. Criteria: Invitae Variant Classification Sherloc (09022015). Collection method: clinical testing. Allele origin: germline.
Comment: In summary, the available evidence is currently insufficient to determine the role of this variant in disease. Therefore, it has been classified as a Variant of Uncertain Significance. Nucleotide substitutions within the consensus splice site are a relatively common cause of aberrant splicing (PMID: 17576681, 9536098). Algorithms developed to predict the effect of sequence changes on RNA splicing suggest that this variant may disrupt the consensus splice site, but this prediction has not been confirmed by published transcriptional studies. This variant has not been reported in the literature in individuals with SCN1A-related disease. ClinVar contains an entry for this variant (Variation ID: 408938). This variant is not present in population databases (ExAC no frequency). This sequence change falls in intron 9 of the SCN1A gene. It does not directly change the encoded amino acid sequence of the SCN1A protein, but it affects a nucleotide within the consensus splice site of the intron.

Literature cited by the submitters: PubMed 17576681; PubMed 9536098.

NM_001165963.4(SCN1A):c.1377+3A>C

Gene: SCN1A (sodium voltage-gated channel alpha subunit 1; minus strand). Cytogenetic location: 2q24.3.
Variant type: single nucleotide variant.
Coding change: c.1377+3A>C on transcript NM_001165963.4 (MANE Select); 3 bases into the intron after coding-DNA position 1377, A replaced by C.
Molecular consequence: intron variant.
Genome position (GRCh38, 1-based): chr2:166,046,767, T>G on the plus strand (A>C on the coding strand, the complement: SCN1A is on the minus strand). VCF-style: chr2-166046767-T-G. GRCh37 (hg19) VCF-style: chr2-166903277-T-G.
Other names: c.1377+3A>C (NM_001353949.2, NM_001353958.2, NM_001353950.2 and 10 more transcripts); c.-1049+3A>C (NM_001353961.2).
Identifiers: ClinVar variation 408938 (VCV000408938.7), dbSNP rs1060502191, ClinGen allele CA16610164.
Genomic context (GRCh38, chr2:166,046,767, plus strand): 5'-CTTCAATATTACGTAACAATCAGAACGATAAAAGGTCAGTGCCATGAGACAGGGCAGCTT[T>G]ACCTGAGCTGCCTCCTGTTGCTTTTTAAGCTGTTCAATCATCTGCTGAAATTCGGCCTCT-3'